The following is an entry in ClinVar:

NM_007272.3(CTRC):c.725G>A (p.Gly242Asp)

Gene: CTRC (chymotrypsin C; plus strand). Cytogenetic location: 1p36.21.
Variant type: single nucleotide variant.
Coding change: c.725G>A on transcript NM_007272.3 (MANE Select); coding-DNA position 725, G replaced by A.
Protein change: p.Gly242Asp; replaces glycine 242 with aspartic acid.
Molecular consequence: missense variant.
Genome position (GRCh38, 1-based): chr1:15,445,682, G>A. VCF-style: chr1-15445682-G-A. GRCh37 (hg19) VCF-style: chr1-15772177-G-A.
Other names: short protein forms G242D.
Identifiers: ClinVar variation 2964315 (VCV002964315.3), dbSNP rs2526303679, ClinGen allele CA338567846.

ClinVar aggregate classification (germline): Uncertain significance (1 of 4 stars; one submission).

Conditions:
Hereditary pancreatitis (PCTT). Also called: Hereditary chronic pancreatitis; PRSS1-Related Hereditary Pancreatitis. Identifiers: Orphanet 676, MedGen C0238339, MONDO:0008185, OMIM 167800.

Submission:

Labcorp Genetics (formerly Invitae), Labcorp
Classification: Uncertain significance for Hereditary pancreatitis. Last evaluated: 2022-11-16. Review status: criteria provided, single submitter. Criteria: Invitae Variant Classification Sherloc (09022015). Collection method: clinical testing. Allele origin: germline.
Comment: In summary, the available evidence is currently insufficient to determine the role of this variant in disease. Therefore, it has been classified as a Variant of Uncertain Significance. Advanced modeling of protein sequence and biophysical properties (such as structural, functional, and spatial information, amino acid conservation, physicochemical variation, residue mobility, and thermodynamic stability) performed at Invitae indicates that this missense variant is not expected to disrupt CTRC protein function. This variant has not been reported in the literature in individuals affected with CTRC-related conditions. This variant is not present in population databases (gnomAD no frequency). This sequence change replaces glycine, which is neutral and non-polar, with aspartic acid, which is acidic and polar, at codon 242 of the CTRC protein (p.Gly242Asp).